The following is an entry in ClinVar:

NM_006030.4(CACNA2D2):c.364G>T (p.Asp122Tyr)

Gene: CACNA2D2 (calcium voltage-gated channel auxiliary subunit alpha2delta 2; minus strand). Cytogenetic location: 3p21.31.
Variant type: single nucleotide variant.
Coding change: c.364G>T on transcript NM_006030.4 (MANE Select); coding-DNA position 364, G replaced by T.
Protein change: p.Asp122Tyr; replaces aspartic acid 122 with tyrosine.
Molecular consequence: missense variant.
Genome position (GRCh38, 1-based): chr3:50,434,354, C>A on the plus strand (G>T on the coding strand, the complement: CACNA2D2 is on the minus strand). VCF-style: chr3-50434354-C-A. GRCh37 (hg19) VCF-style: chr3-50471785-C-A.
Other names: c.364G>T, p.Asp122Tyr (NM_001005505.3, NM_001174051.3); c.157G>T, p.Asp53Tyr (NM_001291101.1); short protein forms D122Y, D53Y.
Identifiers: ClinVar variation 411004 (VCV000411004.10), dbSNP rs552824990, ClinGen allele CA2419247.

ClinVar aggregate classification (germline): Uncertain significance. Review status: criteria provided, multiple submitters, no conflicts (2 of 4 stars). 2 submissions from 2 submitters: Uncertain significance (2). Last evaluated 2024-10-24.

Conditions:
Developmental and epileptic encephalopathy. Identifiers: MedGen C5779964, MONDO:0100620.

Allele frequency attached by ClinVar (database versions not stated): gnomAD 0.00003; gnomAD exomes 0.00003 and 0.00013; TOPMed 0.00007; ExAC 0.00008; 1000 Genomes Project 30x 0.00031; 1000 Genomes Project 0.00040.
gnomAD v4.1: 48 of 1,614,108 alleles (0.003%); highest among the groups gnomAD compares: East Asian, 0.08%; no homozygotes.

Submissions (2):

Labcorp Genetics (formerly Invitae), Labcorp
Classification: Uncertain significance for Early-infantile DEE. Last evaluated: 2024-10-24. Review status: criteria provided, single submitter. Criteria: Invitae Variant Classification Sherloc (09022015). Collection method: clinical testing. Allele origin: germline.
Comment: This sequence change replaces aspartic acid, which is acidic and polar, with tyrosine, which is neutral and polar, at codon 122 of the CACNA2D2 protein (p.Asp122Tyr). This variant is present in population databases (rs552824990, gnomAD 0.2%). This variant has not been reported in the literature in individuals affected with CACNA2D2-related conditions. ClinVar contains an entry for this variant (Variation ID: 411004). An algorithm developed to predict the effect of missense changes on protein structure and function (PolyPhen-2) suggests that this variant is likely to be disruptive. In summary, the available evidence is currently insufficient to determine the role of this variant in disease. Therefore, it has been classified as a Variant of Uncertain Significance.

Fulgent Genetics
Classification: Uncertain significance for Early infantile epileptic encephalopathy with suppression bursts. Last evaluated: 2018-10-31. Review status: criteria provided, single submitter. Criteria: ACMG Guidelines, 2015. Collection method: clinical testing. Allele origin: unknown.